The following is an entry in ClinVar:

ClinVar aggregate classification (germline): Uncertain significance (1 of 4 stars; one submission).

Submission:

Labcorp Genetics (formerly Invitae), Labcorp
Classification: Uncertain significance. Last evaluated: 2024-08-31. Review status: criteria provided, single submitter. Criteria: Invitae Variant Classification Sherloc (09022015). Collection method: clinical testing. Allele origin: germline.
Comment: This sequence change replaces alanine, which is neutral and non-polar, with proline, which is neutral and non-polar, at codon 180 of the MATN3 protein (p.Ala180Pro). This variant is not present in population databases (gnomAD no frequency). This variant has not been reported in the literature in individuals affected with MATN3-related conditions. Invitae Evidence Modeling of protein sequence and biophysical properties (such as structural, functional, and spatial information, amino acid conservation, physicochemical variation, residue mobility, and thermodynamic stability) indicates that this missense variant is expected to disrupt MATN3 protein function with a positive predictive value of 80%. In summary, the available evidence is currently insufficient to determine the role of this variant in disease. Therefore, it has been classified as a Variant of Uncertain Significance.

NM_002381.5(MATN3):c.538G>C (p.Ala180Pro)

Gene: MATN3 (matrilin 3; minus strand). Cytogenetic location: 2p24.1.
Variant type: single nucleotide variant.
Coding change: c.538G>C on transcript NM_002381.5 (MANE Select); coding-DNA position 538, G replaced by C.
Protein change: p.Ala180Pro; replaces alanine 180 with proline.
Molecular consequence: missense variant.
Genome position (GRCh38, 1-based): chr2:20,005,996, C>G on the plus strand (G>C on the coding strand, the complement: MATN3 is on the minus strand). VCF-style: chr2-20005996-C-G. GRCh37 (hg19) VCF-style: chr2-20205757-C-G.
Other names: short protein forms A180P.
Identifiers: ClinVar variation 3669627 (VCV003669627.2).